The following is an entry in ClinVar:

ClinVar aggregate classification (germline): Uncertain significance (1 of 4 stars; one submission).

Submission:

GeneDx
Classification: Uncertain significance. Last evaluated: 2025-02-24. Review status: criteria provided, single submitter. Criteria: GeneDx Variant Classification Process June 2021. Collection method: clinical testing. Allele origin: germline. Affected: yes.
Comment: Not observed at significant frequency in large population cohorts (gnomAD); In silico analysis supports that this missense variant has a deleterious effect on protein structure/function; Has not been previously published as pathogenic or benign to our knowledge

NM_003601.4(SMARCA5):c.2215A>G (p.Lys739Glu)

Gene: SMARCA5 (SNF2 related chromatin remodeling ATPase 5; plus strand). Cytogenetic location: 4q31.21.
Variant type: single nucleotide variant.
Coding change: c.2215A>G on transcript NM_003601.4 (MANE Select); coding-DNA position 2215, A replaced by G.
Protein change: p.Lys739Glu; replaces lysine 739 with glutamic acid.
Molecular consequence: missense variant.
Genome position (GRCh38, 1-based): chr4:143,544,779, A>G. VCF-style: chr4-143544779-A-G. GRCh37 (hg19) VCF-style: chr4-144465932-A-G.
Other names: short protein forms K739E.
Identifiers: ClinVar variation 4076892 (VCV004076892.1).